The following is an entry in ClinVar:

NM_000751.3(CHRND):c.887C>T (p.Ser296Phe)

Gene: CHRND (cholinergic receptor nicotinic delta subunit; plus strand). Cytogenetic location: 2q37.1.
Variant type: single nucleotide variant.
Coding change: c.887C>T on transcript NM_000751.3 (MANE Select); coding-DNA position 887, C replaced by T.
Protein change: p.Ser296Phe; replaces serine 296 with phenylalanine.
Molecular consequence: missense variant.
Genome position (GRCh38, 1-based): chr2:232,531,418, C>T. VCF-style: chr2-232531418-C-T. GRCh37 (hg19) VCF-style: chr2-233396128-C-T.
Other names: c.842C>T, p.Ser281Phe (NM_001256657.2); c.305C>T, p.Ser102Phe (NM_001311195.2); c.584C>T, p.Ser195Phe (NM_001311196.2); short protein forms S102F, S195F, S281F, S296F.
Identifiers: ClinVar variation 3896803 (VCV003896803.1).

ClinVar aggregate classification (germline): Uncertain significance (1 of 4 stars; one submission).

Conditions:
Congenital myasthenic syndrome 3A. Also called: Myasthenic syndrome, congenital, 3a, slow-channel. Identifiers: Orphanet 590, MedGen C4225372, MONDO:0014583, OMIM 616321.
Congenital myasthenic syndrome 3C. Also called: Myasthenic syndrome, congenital, 3c, associated with acetylcholine receptor deficiency. Identifiers: Orphanet 590, MedGen C4225370, MONDO:0014585, OMIM 616323.

Submission:

Kariminejad - Najmabadi Pathology & Genetics Center
Classification: Uncertain significance for Congenital myasthenic syndrome 3A; Congenital myasthenic syndrome 3C. Last evaluated: 2024-08-19. Review status: criteria provided, single submitter. Criteria: ACMG Guidelines, 2015. Collection method: clinical testing. Allele origin: germline. Inheritance: Autosomal dominant inheritance. Affected: yes.
Comment: PM2,PP3_Moderate